The following is an entry in ClinVar:

NM_004177.5(STX3):c.187A>G (p.Ile63Val)

Gene: STX3 (syntaxin 3; plus strand). Cytogenetic location: 11q12.1.
Variant type: single nucleotide variant.
Coding change: c.187A>G on transcript NM_004177.5 (MANE Select); coding-DNA position 187, A replaced by G.
Protein change: p.Ile63Val; replaces isoleucine 63 with valine.
Molecular consequence: missense variant.
Genome position (GRCh38, 1-based): chr11:59,787,109, A>G. VCF-style: chr11-59787109-A-G. GRCh37 (hg19) VCF-style: chr11-59554582-A-G.
Other names: c.187A>G, p.Ile63Val (NM_001178040.3); c.187A>G (NM_004177.4); short protein forms I63V.
Identifiers: ClinVar variation 1420524 (VCV001420524.4), dbSNP rs147225705, ClinGen allele CA6020763.

ClinVar aggregate classification (germline): Uncertain significance. Review status: criteria provided, multiple submitters, no conflicts (2 of 4 stars). 2 submissions from 2 submitters: Uncertain significance (2). Last evaluated 2025-08-12.

Conditions:
Inborn genetic diseases. Identifiers: MedGen C0950123, MeSH D030342.

Allele frequency attached by ClinVar (database versions not stated): ESP Exome Variant Server 0.00015; 1000 Genomes Project 30x 0.00156; 1000 Genomes Project 0.00200.
gnomAD v4.1: 69 of 1,614,198 alleles (0.0043%); highest among the groups gnomAD compares: African/African-American, 0.08%; no homozygotes.

Submissions (2):

Ambry Genetics
Classification: Uncertain significance for Inborn genetic diseases. Last evaluated: 2025-08-12. Review status: criteria provided, single submitter. Criteria: Ambry Variant Classification Scheme 2023. Collection method: clinical testing. Allele origin: germline.

Labcorp Genetics (formerly Invitae), Labcorp
Classification: Uncertain significance. Last evaluated: 2021-09-15. Review status: criteria provided, single submitter. Criteria: Invitae Variant Classification Sherloc (09022015). Collection method: clinical testing. Allele origin: germline.
Comment: This sequence change replaces isoleucine with valine at codon 63 of the STX3 protein (p.Ile63Val). The isoleucine residue is highly conserved and there is a small physicochemical difference between isoleucine and valine. This variant is present in population databases (rs147225705, ExAC 0.1%). This variant has not been reported in the literature in individuals affected with STX3-related conditions. Algorithms developed to predict the effect of missense changes on protein structure and function (SIFT, PolyPhen-2, Align-GVGD) all suggest that this variant is likely to be tolerated. In summary, the available evidence is currently insufficient to determine the role of this variant in disease. Therefore, it has been classified as a Variant of Uncertain Significance.